The following is an entry in ClinVar:

NM_001033855.3(DCLRE1C):c.1368C>T (p.Asn456=)

Gene: DCLRE1C (DNA cross-link repair 1C; minus strand). Cytogenetic location: 10p13.
Variant type: single nucleotide variant.
Coding change: c.1368C>T on transcript NM_001033855.3 (MANE Select); coding-DNA position 1368, C replaced by T.
Protein change: p.Asn456=; no amino-acid change (asparagine 456 retained).
Molecular consequence: synonymous variant. On other transcripts: non-coding transcript variant (4).
Genome position (GRCh38, 1-based): chr10:14,909,119, G>A on the plus strand (C>T on the coding strand, the complement: DCLRE1C is on the minus strand). VCF-style: chr10-14909119-G-A. GRCh37 (hg19) VCF-style: chr10-14951118-G-A.
Other names: c.1008C>T, p.Asn336= (NM_001033857.3, NM_001033858.3, NM_001289077.2 and 2 more transcripts); c.1023C>T, p.Asn341= (NM_001289076.2, NM_001289078.2, NM_001350966.2 and 1 more transcripts); c.1368C>T, p.Asn456= (NM_001350965.2).
Identifiers: ClinVar variation 299315 (VCV000299315.60), dbSNP rs144654282, ClinGen allele CA5416493.

ClinVar aggregate classification (germline): Conflicting classifications of pathogenicity. Review status: criteria provided, conflicting classifications (1 of 4 stars). 6 submissions from 6 submitters: Uncertain significance (1); Likely benign (4). 1 of the submissions does not count toward it. Last evaluated 2026-07-01.

Conditions:
Severe combined immunodeficiency due to DCLRE1C deficiency (RS-SCID). Also called: SCID, AUTOSOMAL RECESSIVE, T CELL-NEGATIVE, B CELL-NEGATIVE, NK CELL-POSITIVE, WITH SENSITIVITY TO IONIZING RADIATION. Identifiers: Orphanet 275, MedGen C1865371, MONDO:0011225, OMIM 602450.
Histiocytic medullary reticulosis. Also called: SEVERE COMBINED IMMUNODEFICIENCY WITH HYPEREOSINOPHILIA; Omenn syndrome. Identifiers: Orphanet 39041, MedGen C2700553, MONDO:0011338, OMIM 603554.

Allele frequency attached by ClinVar (database versions not stated): TOPMed 0.00019; gnomAD 0.00021 and 0.00023; ESP Exome Variant Server 0.00023; ExAC 0.00039; gnomAD exomes 0.00039.
gnomAD v4.1: 367 of 1,614,172 alleles (0.023%); highest among the groups gnomAD compares: Middle Eastern, 0.3%; 2 homozygotes.

Submissions (6):

CeGaT Center for Human Genetics Tuebingen
Classification: Likely benign. Last evaluated: 2026-07-01. Review status: criteria provided, single submitter. Criteria: CeGaT Center For Human Genetics Tuebingen Variant Classification Criteria Version 2. Collection method: clinical testing. Allele origin: germline. Affected: yes. Observed: 3 variant alleles.
Comment: DCLRE1C: BP4, BP7

Labcorp Genetics (formerly Invitae), Labcorp
Classification: Likely benign for Athabaskan severe combined immunodeficiency. Last evaluated: 2026-01-28. Review status: criteria provided, single submitter. Criteria: Invitae Variant Classification Sherloc (09022015). Collection method: clinical testing. Allele origin: germline.

Blueprint Genetics
Classification: Likely benign. Last evaluated: 2024-11-13. Review status: criteria provided, single submitter. Criteria: ACMG Guidelines, 2015. Collection method: clinical testing. Allele origin: germline.

Genome-Nilou Lab
Classification: Likely benign for Histiocytic medullary reticulosis. Last evaluated: 2021-05-18. Review status: criteria provided, single submitter. Criteria: ACMG Guidelines, 2015. Collection method: clinical testing. Allele origin: germline. Affected: no.

Illumina Laboratory Services, Illumina
Classification: Uncertain significance for Histiocytic medullary reticulosis. Last evaluated: 2018-01-12. Review status: criteria provided, single submitter. Criteria: ICSL Variant Classification Criteria 13 December 2019. Collection method: clinical testing. Allele origin: germline.

Natera, Inc.
Classification: Likely benign for Omenn syndrome. Last evaluated: 2020-09-16. Review status: no assertion criteria provided. Collection method: clinical testing. Allele origin: germline. Not counted in ClinVar's aggregate classification.